The following is an entry in ClinVar:

NM_013291.3(CPSF1):c.1603_1604del (p.Met535fs)

Gene: CPSF1 (cleavage and polyadenylation specific factor 1; minus strand). Cytogenetic location: 8q24.3.
Variant type: Deletion.
Coding change: c.1603_1604del on transcript NM_013291.3 (MANE Select); coding-DNA positions 1603 to 1604, 2 bases deleted (AT; older notation c.1603_1604delAT).
Protein change: p.Met535fs; shifts the reading frame from methionine 535.
Molecular consequence: frameshift variant.
Genome position (GRCh38, 1-based): chr8:144,398,813-144,398,814, AT deleted on the plus strand (AT on the coding strand, the reverse complement: CPSF1 is on the minus strand). VCF-style (leftmost placement, unchanged base first): chr8-144398812-CAT-C. GRCh37 (hg19) VCF-style: chr8-145624202-CAT-C.
Other names: short protein forms M535fs.
Identifiers: ClinVar variation 837526 (VCV000837526.7), dbSNP rs782230619, ClinGen allele CA4940344.

ClinVar aggregate classification (germline): Pathogenic (1 of 4 stars; one submission).

Allele frequency attached by ClinVar (database versions not stated): gnomAD exomes 0.00001 and 0.00002; TOPMed 0.00002; ExAC 0.00003; gnomAD 0.00003 and 0.00004; 1000 Genomes Project 30x 0.00016.

Submission:

Labcorp Genetics (formerly Invitae), Labcorp
Classification: Pathogenic. Last evaluated: 2022-11-18. Review status: criteria provided, single submitter. Criteria: Invitae Variant Classification Sherloc (09022015). Collection method: clinical testing. Allele origin: germline.
Comment: For these reasons, this variant has been classified as Pathogenic. ClinVar contains an entry for this variant (Variation ID: 837526). This variant has not been reported in the literature in individuals affected with CPSF1-related conditions. The frequency data for this variant in the population databases is considered unreliable, as metrics indicate poor data quality at this position in the gnomAD database. This sequence change creates a premature translational stop signal (p.Met535Valfs*9) in the CPSF1 gene. It is expected to result in an absent or disrupted protein product. Loss-of-function variants in CPSF1 are known to be pathogenic (PMID: 30689892).

Literature cited by the submitters: PubMed 30689892.